The following is an entry in ClinVar:

ClinVar aggregate classification (germline): Conflicting classifications of pathogenicity. Review status: criteria provided, conflicting classifications (1 of 4 stars). 2 submissions from 2 submitters: Uncertain significance (1); Benign (1). Last evaluated 2024-11-19.

Conditions:
Primary ciliary dyskinesia. Also called: Ciliary dyskinesia. Identifiers: Orphanet 244, MedGen C0008780, MONDO:0016575, HP:0012265.

Allele frequency attached by ClinVar (database versions not stated): ExAC 0.00004; TOPMed 0.00005; gnomAD exomes 0.00006; gnomAD 0.00007.
gnomAD v4.1: 94 of 1,607,416 alleles (0.0058%); highest among the groups gnomAD compares: Non-Finnish European, 0.0074%; no homozygotes.

Submissions (2):

Labcorp Genetics (formerly Invitae), Labcorp
Classification: Benign for Primary ciliary dyskinesia. Last evaluated: 2024-11-19. Review status: criteria provided, single submitter. Criteria: Invitae Variant Classification Sherloc (09022015). Collection method: clinical testing. Allele origin: germline.

Ambry Genetics
Classification: Uncertain significance for Primary ciliary dyskinesia. Last evaluated: 2014-07-08. Review status: criteria provided, single submitter. Criteria: Ambry Variant Classification Scheme 2023. Collection method: clinical testing. Allele origin: germline.
Comment: The p.Y1770C variant (also known as c.5309A>G), located in coding exon 30 of the DNAH11 gene, results from an A to G substitution at nucleotide position 5309. The tyrosine at codon 1770 is replaced by cysteine, an amino acid with highly dissimilar properties. This variant was not reported in population based cohorts in the following databases: Database of Single Nucleotide Polymorphisms (dbSNP), NHLBI Exome Sequencing Project (ESP), and 1000 Genomes Project. In the ESP, this variant was not observed in 5951 samples (11902 alleles) with coverage at this position. Based on protein sequence alignment, this amino acid position is conserved through mammals. In addition, this alteration is predicted to be tolerated by in silico analysis. Since supporting evidence is limited at this time, the clinical significance of p.Y1770C remains unclear.

NM_001277115.2(DNAH11):c.5294A>G (p.Tyr1765Cys)

Gene: DNAH11 (dynein axonemal heavy chain 11; plus strand). Cytogenetic location: 7p15.3.
Variant type: single nucleotide variant.
Coding change: c.5294A>G on transcript NM_001277115.2 (MANE Select); coding-DNA position 5294, A replaced by G.
Protein change: p.Tyr1765Cys; replaces tyrosine 1765 with cysteine.
Molecular consequence: missense variant.
Genome position (GRCh38, 1-based): chr7:21,658,997, A>G. VCF-style: chr7-21658997-A-G. GRCh37 (hg19) VCF-style: chr7-21698615-A-G.
Other names: c.5309A>G, p.Tyr1770Cys (NM_003777.3); short protein forms Y1770C, Y1765C.
Identifiers: ClinVar variation 1746738 (VCV001746738.7), dbSNP rs771040551, ClinGen allele CA4180349.